The following is an entry in ClinVar:

NM_001079668.3(NKX2-1):c.964_975dup (p.His322_Gln325dup)

Genes: NKX2-1 (NK2 homeobox 1; minus strand), SFTA3 (surfactant associated 3; minus strand). Cytogenetic location: 14q13.3.
Variant type: Duplication.
Coding change: c.964_975dup on transcript NM_001079668.3 (MANE Select); coding-DNA positions 964 to 975, 12 bases duplicated (CACCAGGCGCAG).
Protein change: p.His322_Gln325dup.
Molecular consequence: inframe insertion.
Genome position (GRCh38, 1-based): chr14:36,517,509-36,517,520, CTGCGCCTGGTG duplicated on the plus strand (CACCAGGCGCAG on the coding strand, the reverse complement: NKX2-1 is on the minus strand); duplicating any 12 consecutive bases within chr14:36,517,509-36,517,529 gives the same sequence; the c. name uses the placement nearest the transcript's 3' end. VCF-style (leftmost placement, unchanged base first): chr14-36517508-C-CCTGCGCCTGGTG. GRCh37 (hg19) VCF-style: chr14-36986713-C-CCTGCGCCTGGTG.
Other names: c.874_885dup, p.His292_Gln295dup (NM_003317.4).
Identifiers: ClinVar variation 423844 (VCV000423844.2), dbSNP rs1064796655, ClinGen allele CA16619867.

ClinVar aggregate classification (germline): Uncertain significance (1 of 4 stars; one submission).

Submission:

GeneDx
Classification: Uncertain significance. Last evaluated: 2017-02-16. Review status: criteria provided, single submitter. Criteria: GeneDx Variant Classification (06012015). Collection method: clinical testing. Allele origin: germline. Affected: yes.
Comment: The c.964_975dup12 variant in the NKX2-1 gene has not been reported previously as a pathogenic variant nor as a benign variant, to our knowledge. The c.964_975dup12 variant causes an in-frame duplication of four amnio acids, denoted p.His322_Gln325dup. The c.964_975dup12 variant is not observed in large population cohorts; however, limited data are available (Lek et al., 2016; 1000 Genomes Consortium et al., 2015; Exome Variant Server). We interpret c.964_975dup12 as a variant of uncertain significance.